The following is an entry in ClinVar:

NM_000397.4(CYBB):c.1414_1420del (p.Gly472fs)

Gene: CYBB (cytochrome b-245 beta chain; plus strand). Cytogenetic location: Xp11.4.
Variant type: Deletion.
Coding change: c.1414_1420del on transcript NM_000397.4 (MANE Select); coding-DNA positions 1414 to 1420, 7 bases deleted (GGCTTCC; older notation c.1414_1420delGGCTTCC).
Protein change: p.Gly472fs; shifts the reading frame from glycine 472.
Molecular consequence: frameshift variant.
Genome position (GRCh38, 1-based): chrX:37,806,486-37,806,492, GGCTTCC deleted; deleting any 7 consecutive bases within chrX:37,806,484-37,806,492 gives the same sequence; the c. name uses the placement nearest the transcript's 3' end. VCF-style (leftmost placement, unchanged base first): chrX-37806483-GCCGGCTT-G. GRCh37 (hg19) VCF-style: chrX-37665736-GCCGGCTT-G.
Other names: short protein forms G472fs.
Identifiers: ClinVar variation 2703698 (VCV002703698.3), dbSNP rs2519211145, ClinGen allele CA2697553038.

ClinVar aggregate classification (germline): Pathogenic (1 of 4 stars; one submission).

Conditions:
Granulomatous disease, chronic, X-linked. Also called: GRANULOMATOUS DISEASE, CHRONIC, X-LINKED, SOMATIC MOSAIC; CYTOCHROME b-NEGATIVE GRANULOMATOUS DISEASE, CHRONIC, X-LINKED. Identifiers: Orphanet 379, MedGen C1844376, MONDO:0010600, OMIM 306400.

Submission:

Labcorp Genetics (formerly Invitae), Labcorp
Classification: Pathogenic for Granulomatous disease, chronic, X-linked. Last evaluated: 2024-05-06. Review status: criteria provided, single submitter. Criteria: Invitae Variant Classification Sherloc (09022015). Collection method: clinical testing. Allele origin: germline.
Comment: This sequence change creates a premature translational stop signal (p.Gly472Serfs*28) in the CYBB gene. It is expected to result in an absent or disrupted protein product. Loss-of-function variants in CYBB are known to be pathogenic (PMID: 9585602, 20729109). This variant is not present in population databases (gnomAD no frequency). This variant has not been reported in the literature in individuals affected with CYBB-related conditions. For these reasons, this variant has been classified as Pathogenic.

Literature cited by the submitters: PubMed 9585602; PubMed 20729109.